The following is an entry in ClinVar:

ClinVar aggregate classification (germline): Benign/Likely benign. Review status: criteria provided, multiple submitters, no conflicts (2 of 4 stars). 3 submissions from 3 submitters: Benign (1); Likely benign (2). Last evaluated 2024-07-19.

Conditions:
Familial cancer of breast. Also called: BREAST CANCER, FAMILIAL; hereditary breast carcinoma; Hereditary breast cancer. Identifiers: Orphanet 227535, MedGen C0346153, MONDO:0016419, OMIM 114480. Disease mechanism: loss of function.
Hereditary cancer-predisposing syndrome. Also called: Neoplastic Syndromes, Hereditary; Tumor predisposition; Hereditary Cancer Syndrome; Hereditary neoplastic syndrome. Identifiers: Orphanet 140162, MedGen C0027672, MeSH D009386, MONDO:0015356.

Submissions (3):

Myriad Genetics, Inc.
Classification: Benign for Familial cancer of breast. Last evaluated: 2024-07-19. Review status: criteria provided, single submitter. Criteria: Myriad Autosomal Dominant, Autosomal Recessive and X-Linked Classification Criteria (2023). Collection method: clinical testing. Allele origin: unknown.
Comment: This variant is considered benign. This variant is a silent/synonymous amino acid change and it is not expected to impact splicing.

Ambry Genetics
Classification: Likely benign for Hereditary cancer-predisposing syndrome. Last evaluated: 2019-12-27. Review status: criteria provided, single submitter. Criteria: Ambry Variant Classification Scheme 2023. Collection method: clinical testing. Allele origin: germline.

Labcorp Genetics (formerly Invitae), Labcorp
Classification: Likely benign for Familial cancer of breast. Last evaluated: 2017-05-26. Review status: criteria provided, single submitter. Criteria: Invitae Variant Classification Sherloc (09022015). Collection method: clinical testing. Allele origin: germline.

NM_000465.4(BARD1):c.396G>A (p.Leu132=)

Gene: BARD1 (BRCA1 associated RING domain 1; minus strand). Cytogenetic location: 2q35.
Variant type: single nucleotide variant.
Coding change: c.396G>A on transcript NM_000465.4 (MANE Select); coding-DNA position 396, G replaced by A.
Protein change: p.Leu132=; no amino-acid change (leucine 132 retained).
Molecular consequence: synonymous variant. On other transcripts: non-coding transcript variant (2), intron variant (3).
Genome position (GRCh38, 1-based): chr2:214,781,478, C>T on the plus strand (G>A on the coding strand, the complement: BARD1 is on the minus strand). VCF-style: chr2-214781478-C-T. GRCh37 (hg19) VCF-style: chr2-215646202-C-T.
Other names: c.339G>A, p.Leu113= (NM_001282543.2); c.158+27934G>A (NM_001282548.2); c.215+15583G>A (NM_001282545.2); c.364+10819G>A (NM_001282549.2).
Identifiers: ClinVar variation 460747 (VCV000460747.13), dbSNP rs1553622703, ClinGen allele CA431136745.